The following is an entry in ClinVar:

NM_017613.4(DONSON):c.337C>G (p.Gln113Glu)

Gene: DONSON (DNA replication fork stabilization factor DONSON; minus strand). Cytogenetic location: 21q22.11.
Variant type: single nucleotide variant.
Coding change: c.337C>G on transcript NM_017613.4 (MANE Select); coding-DNA position 337, C replaced by G.
Protein change: p.Gln113Glu; replaces glutamine 113 with glutamic acid.
Molecular consequence: missense variant.
Genome position (GRCh38, 1-based): chr21:33,587,587, G>C on the plus strand (C>G on the coding strand, the complement: DONSON is on the minus strand). VCF-style: chr21-33587587-G-C. GRCh37 (hg19) VCF-style: chr21-34959893-G-C.
Other names: short protein forms Q113E.
Identifiers: ClinVar variation 1977122 (VCV001977122.5), dbSNP rs1227875248, ClinGen allele CA410143382.
Genomic context (GRCh38, chr21:33,587,587, plus strand): 5'-GTAATTCAGTAACAGTTGTTCTTTCAGGAAACTTCTCTTCCCATAGCAAATCATTTTCTT[G>C]ATTAGAATCTAAAAACTGAGGTTAAATATATTCTCCTTTAAAATTTAAAGGATGCTGAAG-3'
Protein context (NP_060083.1, residues 103-123): EAPVPFLDSN[Gln113Glu]ENDLLWEEKF

ClinVar aggregate classification (germline): Uncertain significance (1 of 4 stars; one submission).

Allele frequency attached by ClinVar (database versions not stated): gnomAD exomes below 0.00001.
gnomAD v4.1: 1 of 1,590,054 alleles (0.000063%); highest among the groups gnomAD compares: Admixed American, 0.0019%; no homozygotes.

Submission:

Labcorp Genetics (formerly Invitae), Labcorp
Classification: Uncertain significance. Last evaluated: 2024-02-24. Review status: criteria provided, single submitter. Criteria: Invitae Variant Classification Sherloc (09022015). Collection method: clinical testing. Allele origin: germline.
Comment: This sequence change replaces glutamine, which is neutral and polar, with glutamic acid, which is acidic and polar, at codon 113 of the DONSON protein (p.Gln113Glu). This variant is present in population databases (no rsID available, gnomAD 0.004%). This variant has not been reported in the literature in individuals affected with DONSON-related conditions. ClinVar contains an entry for this variant (Variation ID: 1977122). Advanced modeling of protein sequence and biophysical properties (such as structural, functional, and spatial information, amino acid conservation, physicochemical variation, residue mobility, and thermodynamic stability) performed at Invitae indicates that this missense variant is not expected to disrupt DONSON protein function with a negative predictive value of 80%. In summary, the available evidence is currently insufficient to determine the role of this variant in disease. Therefore, it has been classified as a Variant of Uncertain Significance.